The following is an entry in ClinVar:

ClinVar aggregate classification (germline): Uncertain significance (1 of 4 stars; one submission).

Conditions:
Autosomal dominant nocturnal frontal lobe epilepsy 5. Also called: Epilepsy, nocturnal frontal lobe, 5; KCNT1-Related Epilepsy; CILIARY DYSKINESIA, PRIMARY, 28, WITHOUT SITUS INVERSUS; CILIARY DYSKINESIA, PRIMARY, 28, WITH SITUS INVERSUS. Identifiers: Orphanet 98784, MedGen C3554306, MONDO:0014002, OMIM 615005.
Developmental and epileptic encephalopathy, 14 (DEE14). Also called: Early infantile epileptic encephalopathy 14. Identifiers: Orphanet 293181, MedGen C3554195, MONDO:0013989, OMIM 614959.

Allele frequency attached by ClinVar (database versions not stated): TOPMed below 0.00001.

Submission:

Labcorp Genetics (formerly Invitae), Labcorp
Classification: Uncertain significance for Autosomal dominant nocturnal frontal lobe epilepsy 5; Developmental and epileptic encephalopathy, 14. Last evaluated: 2022-04-24. Review status: criteria provided, single submitter. Criteria: Invitae Variant Classification Sherloc (09022015). Collection method: clinical testing. Allele origin: germline.
Comment: This sequence change replaces aspartic acid, which is acidic and polar, with asparagine, which is neutral and polar, at codon 1172 of the KCNT1 protein (p.Asp1172Asn). This variant is not present in population databases (gnomAD no frequency). This variant has not been reported in the literature in individuals affected with KCNT1-related conditions. Advanced modeling of protein sequence and biophysical properties (such as structural, functional, and spatial information, amino acid conservation, physicochemical variation, residue mobility, and thermodynamic stability) performed at Invitae indicates that this missense variant is expected to disrupt KCNT1 protein function. In summary, the available evidence is currently insufficient to determine the role of this variant in disease. Therefore, it has been classified as a Variant of Uncertain Significance.

NM_020822.3(KCNT1):c.3514G>A (p.Asp1172Asn)

Gene: KCNT1 (potassium sodium-activated channel subfamily T member 1; plus strand). Cytogenetic location: 9q34.3.
Variant type: single nucleotide variant.
Coding change: c.3514G>A on transcript NM_020822.3 (MANE Select); coding-DNA position 3514, G replaced by A.
Protein change: p.Asp1172Asn; replaces aspartic acid 1172 with asparagine.
Molecular consequence: missense variant.
Genome position (GRCh38, 1-based): chr9:135,791,808, G>A. VCF-style: chr9-135791808-G-A. GRCh37 (hg19) VCF-style: chr9-138683654-G-A.
Other names: c.3442G>A, p.Asp1148Asn (NM_001272003.2); short protein forms D1172N, D1148N.
Identifiers: ClinVar variation 2168143 (VCV002168143.4), dbSNP rs866875880, ClinGen allele CA201431355.